The following is an entry in ClinVar:

NM_000355.4(TCN2):c.568C>T (p.His190Tyr)

Gene: TCN2 (transcobalamin 2; plus strand). Cytogenetic location: 22q12.2.
Variant type: single nucleotide variant.
Coding change: c.568C>T on transcript NM_000355.4 (MANE Select); coding-DNA position 568, C replaced by T.
Protein change: p.His190Tyr; replaces histidine 190 with tyrosine.
Molecular consequence: missense variant.
Genome position (GRCh38, 1-based): chr22:30,614,489, C>T. VCF-style: chr22-30614489-C-T. GRCh37 (hg19) VCF-style: chr22-31010476-C-T.
Other names: c.487C>T, p.His163Tyr (NM_001184726.2); short protein forms H163Y, H190Y.
Identifiers: ClinVar variation 1429355 (VCV001429355.7), dbSNP rs757378346, ClinGen allele CA10184704.

ClinVar aggregate classification (germline): Uncertain significance (1 of 4 stars; one submission).

Conditions:
Transcobalamin II deficiency (TCN2D). Also called: Transcolabamin II deficiency; TC II DEFICIENCY; TCN2 DEFICIENCY. Identifiers: Orphanet 859, MedGen C0342701, MONDO:0010149, OMIM 275350.

Allele frequency attached by ClinVar (database versions not stated): TOPMed 0.00001; ExAC 0.00002; gnomAD exomes 0.00002.
gnomAD v4.1: 5 of 1,614,186 alleles (0.00031%); highest among the groups gnomAD compares: Admixed American, 0.0067%; no homozygotes.

Submission:

Labcorp Genetics (formerly Invitae), Labcorp
Classification: Uncertain significance for Transcobalamin II deficiency. Last evaluated: 2023-08-08. Review status: criteria provided, single submitter. Criteria: Invitae Variant Classification Sherloc (09022015). Collection method: clinical testing. Allele origin: germline.
Comment: This sequence change replaces histidine, which is basic and polar, with tyrosine, which is neutral and polar, at codon 190 of the TCN2 protein (p.His190Tyr). This variant is present in population databases (rs757378346, gnomAD 0.01%). In summary, the available evidence is currently insufficient to determine the role of this variant in disease. Therefore, it has been classified as a Variant of Uncertain Significance. Advanced modeling of protein sequence and biophysical properties (such as structural, functional, and spatial information, amino acid conservation, physicochemical variation, residue mobility, and thermodynamic stability) performed at Invitae indicates that this missense variant is expected to disrupt TCN2 protein function. ClinVar contains an entry for this variant (Variation ID: 1429355). This variant has not been reported in the literature in individuals affected with TCN2-related conditions.